The following is an entry in ClinVar:

ClinVar aggregate classification (germline): Uncertain significance (1 of 4 stars; one submission).

Conditions:
Aortic aneurysm, familial thoracic 4 (AAT4). Also called: AORTIC ANEURYSM/AORTIC DISSECTION AND PATENT DUCTUS ARTERIOSUS. Identifiers: MedGen C1851504, MONDO:0007568, OMIM 132900.

Submission:

Labcorp Genetics (formerly Invitae), Labcorp
Classification: Uncertain significance for Aortic aneurysm, familial thoracic 4. Last evaluated: 2024-06-08. Review status: criteria provided, single submitter. Criteria: Invitae Variant Classification Sherloc (09022015). Collection method: clinical testing. Allele origin: germline.
Comment: This sequence change replaces aspartic acid, which is acidic and polar, with glutamic acid, which is acidic and polar, at codon 1528 of the MYH11 protein (p.Asp1528Glu). This variant is not present in population databases (gnomAD no frequency). This variant has not been reported in the literature in individuals affected with MYH11-related conditions. Advanced modeling of protein sequence and biophysical properties (such as structural, functional, and spatial information, amino acid conservation, physicochemical variation, residue mobility, and thermodynamic stability) performed at Invitae indicates that this missense variant is not expected to disrupt MYH11 protein function with a negative predictive value of 95%. In summary, the available evidence is currently insufficient to determine the role of this variant in disease. Therefore, it has been classified as a Variant of Uncertain Significance.

NM_002474.3(MYH11):c.4563T>A (p.Asp1521Glu)

Genes: NDE1 (nudE neurodevelopment protein 1; plus strand), MYH11 (myosin heavy chain 11; minus strand). Cytogenetic location: 16p13.11.
Variant type: single nucleotide variant.
Coding change: c.4563T>A on transcript NM_002474.3 (MANE Select); coding-DNA position 4563, T replaced by A.
Protein change: p.Asp1521Glu; replaces aspartic acid 1521 with glutamic acid.
Molecular consequence: missense variant. On other transcripts: intron variant (2).
Genome position (GRCh38, 1-based): chr16:15,721,437, A>T on the plus strand (T>A on the coding strand, the complement: MYH11 is on the minus strand). VCF-style: chr16-15721437-A-T. GRCh37 (hg19) VCF-style: chr16-15815294-A-T.
Other names: c.4584T>A, p.Asp1528Glu (NM_001040113.2, NM_001040114.2); c.4563T>A, p.Asp1521Glu (NM_022844.3); c.948-2754A>T (NM_001143979.2, NM_017668.3); short protein forms D1528E, D1521E.
Identifiers: ClinVar variation 3655910 (VCV003655910.2).
Genomic context (GRCh38, chr16:15,721,437, plus strand): 5'-GGGCAGGCGAAACATGGACGAGAAAAACCACCCAGAGCCACTTACGTTCTTGCCCACGTC[A>T]TCCTTGGAGCTGACCAGGTCTTCCATTTCGGCTTTGAGCATTTTGTTGGTCCGCTCGAGT-3'
Protein context (NP_002465.1, residues 1511-1531): AEMEDLVSSK[Asp1521Glu]DVGKNVHELE